The following is an entry in ClinVar:

ClinVar aggregate classification (germline): Uncertain significance (1 of 4 stars; one submission).

gnomAD v4.1: 3 of 1,613,090 alleles (0.00019%); highest among the groups gnomAD compares: South Asian, 0.0011%; no homozygotes.

Submission:

Women's Health and Genetics/Laboratory Corporation of America, LabCorp
Classification: Uncertain significance. Last evaluated: 2026-04-21. Review status: criteria provided, single submitter. Criteria: LabCorp Variant Classification Summary - May 2015. Collection method: clinical testing. Allele origin: germline.
Comment: Variant summary: NEB c.1214C>G (p.Pro405Arg) results in a non-conservative amino acid change in the encoded protein sequence. Algorithms developed to predict the effect of missense changes on protein structure and function are either unavailable or do not agree on the potential impact of this missense change. The variant allele was found at a frequency of 8e-06 in 248534 control chromosomes. The available data on variant occurrences in the general population are insufficient to allow any conclusion about variant significance. To our knowledge, no occurrence of c.1214C>G in individuals affected with NEB-related conditions and no experimental evidence demonstrating its impact on protein function have been reported. No submitters have cited clinical-significance assessments for this variant to ClinVar. Based on the evidence outlined above, the variant was classified as uncertain significance.

NM_001164508.2(NEB):c.1214C>G (p.Pro405Arg)

Gene: NEB (nebulin; minus strand). Cytogenetic location: 2q23.3.
Variant type: single nucleotide variant.
Coding change: c.1214C>G on transcript NM_001164508.2 (MANE Select); coding-DNA position 1214, C replaced by G.
Protein change: p.Pro405Arg; replaces proline 405 with arginine.
Molecular consequence: missense variant.
Genome position (GRCh38, 1-based): chr2:151,697,587, G>C on the plus strand (C>G on the coding strand, the complement: NEB is on the minus strand). VCF-style: chr2-151697587-G-C. GRCh37 (hg19) VCF-style: chr2-152554101-G-C.
Other names: c.1214C>G, p.Pro405Arg (NM_001164507.2, NM_001271208.2, NM_004543.5); short protein forms P405R.
Identifiers: ClinVar variation 4849192 (VCV004849192.1).